The following is an entry in ClinVar:

NM_001012426.2(FOXP4):c.814C>T (p.Leu272Phe)

Gene: FOXP4 (forkhead box P4; plus strand). Cytogenetic location: 6p21.1.
Variant type: single nucleotide variant.
Coding change: c.814C>T on transcript NM_001012426.2 (MANE Select); coding-DNA position 814, C replaced by T.
Protein change: p.Leu272Phe; replaces leucine 272 with phenylalanine.
Molecular consequence: missense variant.
Genome position (GRCh38, 1-based): chr6:41,587,454, C>T. VCF-style: chr6-41587454-C-T. GRCh37 (hg19) VCF-style: chr6-41555192-C-T.
Other names: c.808C>T, p.Leu270Phe (NM_001012427.2); c.814C>T, p.Leu272Phe (NM_001405824.1); c.718C>T, p.Leu240Phe (NM_001405825.1, NM_001405826.1); c.811C>T, p.Leu271Phe (NM_138457.3); short protein forms L271F, L240F, L270F, L272F.
Identifiers: ClinVar variation 2167049 (VCV002167049.4), dbSNP rs377455960, ClinGen allele CA3800529.

ClinVar aggregate classification (germline): Uncertain significance (1 of 4 stars; one submission).

Submission:

Labcorp Genetics (formerly Invitae), Labcorp
Classification: Uncertain significance. Last evaluated: 2022-07-26. Review status: criteria provided, single submitter. Criteria: Invitae Variant Classification Sherloc (09022015). Collection method: clinical testing. Allele origin: germline.
Comment: In summary, the available evidence is currently insufficient to determine the role of this variant in disease. Therefore, it has been classified as a Variant of Uncertain Significance. Algorithms developed to predict the effect of missense changes on protein structure and function (SIFT, PolyPhen-2, Align-GVGD) all suggest that this variant is likely to be tolerated. This variant has not been reported in the literature in individuals affected with FOXP4-related conditions. This variant is present in population databases (rs377455960, gnomAD 0.006%). This sequence change replaces leucine, which is neutral and non-polar, with phenylalanine, which is neutral and non-polar, at codon 272 of the FOXP4 protein (p.Leu272Phe).